The following is an entry in ClinVar:

NM_182641.4(BPTF):c.1026C>T (p.His342=)

Gene: BPTF (bromodomain PHD finger transcription factor; plus strand). Cytogenetic location: 17q24.2.
Variant type: single nucleotide variant.
Coding change: c.1026C>T on transcript NM_182641.4 (MANE Select); coding-DNA position 1026, C replaced by T.
Protein change: p.His342=; no amino-acid change (histidine 342 retained).
Molecular consequence: synonymous variant.
Genome position (GRCh38, 1-based): chr17:67,854,352, C>T. VCF-style: chr17-67854352-C-T. GRCh37 (hg19) VCF-style: chr17-65850468-C-T.
Other names: c.1026C>T, p.His342= (NM_004459.7); c.1026C>T (NM_182641.3).
Identifiers: ClinVar variation 2076804 (VCV002076804.29), dbSNP rs142245973, ClinGen allele CA8725092.
Genomic context (GRCh38, chr17:67,854,352, plus strand): 5'-TGGGATGACGTGGCCAGAGGTGCTGCGGGTGTACTGTGAGAGTGATAAGGAGTACCATCA[C>T]GTTCTTCCTTACCAAGAGGCAGAGGACTACCCATATGGACCAGTAGAGAACAAGATCAAA-3'
Protein context (NP_872579.2, residues 332-352): VYCESDKEYH[His342=]VLPYQEAEDY

ClinVar aggregate classification (germline): Likely benign. Review status: criteria provided, multiple submitters, no conflicts (2 of 4 stars). 3 submissions from 3 submitters: Likely benign (2). 1 of the submissions does not count toward it. Last evaluated 2024-06-12.

Conditions:
BPTF-related disorder. Also called: BPTF-related condition.

Allele frequency attached by ClinVar (database versions not stated): ExAC 0.00012; ESP Exome Variant Server 0.00023; gnomAD 0.00025; TOPMed 0.00031.
gnomAD v4.1: 97 of 1,614,086 alleles (0.006%); highest among the groups gnomAD compares: African/African-American, 0.067%; no homozygotes.

Submissions (3):

Labcorp Genetics (formerly Invitae), Labcorp
Classification: Likely benign. Last evaluated: 2024-06-12. Review status: criteria provided, single submitter. Criteria: Invitae Variant Classification Sherloc (09022015). Collection method: clinical testing. Allele origin: germline.

CeGaT Center for Human Genetics Tuebingen
Classification: Likely benign. Last evaluated: 2022-06-01. Review status: criteria provided, single submitter. Criteria: CeGaT Center For Human Genetics Tuebingen Variant Classification Criteria Version 2. Collection method: clinical testing. Allele origin: germline. Affected: yes. Observed: 1 variant allele.
Comment: BPTF: BP4, BP7

PreventionGenetics, part of Exact Sciences
Classification: Likely benign for BPTF-related condition. Last evaluated: 2019-03-25. Review status: no assertion criteria provided. Collection method: clinical testing. Allele origin: germline. Not counted in ClinVar's aggregate classification.
Comment: This variant is classified as likely benign based on ACMG/AMP sequence variant interpretation guidelines (Richards et al. 2015 PMID: 25741868, with internal and published modifications).